The following is an entry in ClinVar:

ClinVar aggregate classification (germline): Uncertain significance (1 of 4 stars; one submission).

Allele frequency attached by ClinVar (database versions not stated): gnomAD exomes below 0.00001.
gnomAD v4.1: 2 of 1,614,026 alleles (0.00012%); highest among the groups gnomAD compares: Non-Finnish European, 0.00017%; no homozygotes.

Submission:

Labcorp Genetics (formerly Invitae), Labcorp
Classification: Uncertain significance. Last evaluated: 2022-02-10. Review status: criteria provided, single submitter. Criteria: Invitae Variant Classification Sherloc (09022015). Collection method: clinical testing. Allele origin: germline.
Comment: In summary, the available evidence is currently insufficient to determine the role of this variant in disease. Therefore, it has been classified as a Variant of Uncertain Significance. Experimental studies and prediction algorithms are not available or were not evaluated, and the functional significance of this variant is currently unknown. ClinVar contains an entry for this variant (Variation ID: 1043432). This variant has not been reported in the literature in individuals affected with ARMC9-related conditions. This variant is not present in population databases (gnomAD no frequency). This sequence change replaces serine, which is neutral and polar, with phenylalanine, which is neutral and non-polar, at codon 112 of the ARMC9 protein (p.Ser112Phe).

NM_001352754.2(ARMC9):c.335C>T (p.Ser112Phe)

Gene: ARMC9 (armadillo repeat containing 9; plus strand). Cytogenetic location: 2q37.1.
Variant type: single nucleotide variant.
Coding change: c.335C>T on transcript NM_001352754.2 (MANE Select); coding-DNA position 335, C replaced by T.
Protein change: p.Ser112Phe; replaces serine 112 with phenylalanine.
Molecular consequence: missense variant. On other transcripts: non-coding transcript variant (1).
Genome position (GRCh38, 1-based): chr2:231,214,988, C>T. VCF-style: chr2-231214988-C-T. GRCh37 (hg19) VCF-style: chr2-232079701-C-T.
Other names: c.335C>T, p.Ser112Phe (NM_001271466.4, NM_001291656.2, NM_001352755.2 and 5 more transcripts); short protein forms S112F.
Identifiers: ClinVar variation 1043432 (VCV001043432.6), dbSNP rs2033337581, ClinGen allele CA350946186.